The following is an entry in ClinVar:

NM_130384.3(ATRIP):c.770T>C (p.Met257Thr)

Genes: ATRIP (ATR interacting protein; plus strand), ATRIP-TREX1 (ATRIP-TREX1 readthrough; plus strand). Cytogenetic location: 3p21.31.
Variant type: single nucleotide variant.
Coding change: c.770T>C on transcript NM_130384.3 (MANE Select); coding-DNA position 770, T replaced by C.
Protein change: p.Met257Thr; replaces methionine 257 with threonine.
Molecular consequence: missense variant. On other transcripts: non-coding transcript variant (1).
Genome position (GRCh38, 1-based): chr3:48,457,357, T>C. VCF-style: chr3-48457357-T-C. GRCh37 (hg19) VCF-style: chr3-48498757-T-C.
Other names: c.389T>C, p.Met130Thr (NM_001271022.2); c.491T>C, p.Met164Thr (NM_001271023.2); c.770T>C, p.Met257Thr (NM_032166.4); short protein forms M130T, M257T, M164T.
Identifiers: ClinVar variation 3976884 (VCV003976884.1).

ClinVar aggregate classification (germline): Uncertain significance (1 of 4 stars; one submission).

Submission:

Ambry Genetics
Classification: Uncertain significance. Last evaluated: 2025-05-27. Review status: criteria provided, single submitter. Criteria: Ambry Variant Classification Scheme 2023. Collection method: clinical testing. Allele origin: germline.
Comment: The p.M257T variant (also known as c.770T>C), located in coding exon 5 of the ATRIP gene, results from a T to C substitution at nucleotide position 770. The methionine at codon 257 is replaced by threonine, an amino acid with similar properties. This amino acid position is conserved. In addition, this alteration is predicted to be tolerated by in silico analysis. Based on the available evidence, the clinical significance of this variant remains unclear.